The following is an entry in ClinVar:

NM_000535.7(PMS2):c.1477G>A (p.Asp493Asn)

Gene: PMS2 (PMS1 homolog 2, mismatch repair system component; minus strand). Cytogenetic location: 7p22.1.
Variant type: single nucleotide variant.
Coding change: c.1477G>A on transcript NM_000535.7 (MANE Select); coding-DNA position 1477, G replaced by A.
Protein change: p.Asp493Asn; replaces aspartic acid 493 with asparagine.
Molecular consequence: missense variant. On other transcripts: non-coding transcript variant (1).
Genome position (GRCh38, 1-based): chr7:5,987,288, C>T on the plus strand (G>A on the coding strand, the complement: PMS2 is on the minus strand). VCF-style: chr7-5987288-C-T. GRCh37 (hg19) VCF-style: chr7-6026919-C-T.
Other names: c.1072G>A, p.Asp358Asn (NM_001322003.2, NM_001322004.2, NM_001322005.2 and 1 more transcripts); c.1321G>A, p.Asp441Asn (NM_001322006.2); c.1159G>A, p.Asp387Asn (NM_001322007.2, NM_001322008.2); c.916G>A, p.Asp306Asn (NM_001322010.2); c.544G>A, p.Asp182Asn (NM_001322011.2, NM_001322012.2); c.904G>A, p.Asp302Asn (NM_001322013.2); c.1477G>A, p.Asp493Asn (NM_001322014.2); c.1168G>A, p.Asp390Asn (NM_001322015.2); short protein forms D493N, D306N, D387N, D182N, D302N, D390N, D358N, D441N.
Identifiers: ClinVar variation 127760 (VCV000127760.36), dbSNP rs148642064, ClinGen allele CA009738.
Genomic context (GRCh38, chr7:5,987,288, plus strand): 5'-TGCCCGTGTCTGGGATGCTGAACCCCTCAGAATCCACGGAAGTGCTGCCGTGCCCCGAGT[C>T]CTTCTCCACCTCCGCTCTGTCCGTAGGGTCACTGGGTCCGTGACTGGAACTCACTGCCTC-3'
Protein context (NP_000526.2, residues 483-503): DPTDRAEVEK[Asp493Asn]SGHGSTSVDS

ClinVar aggregate classification (germline): Conflicting classifications of pathogenicity. Review status: criteria provided, conflicting classifications (1 of 4 stars). 6 submissions from 6 submitters: Uncertain significance (5); Benign (1). Last evaluated 2026-01-11.

Conditions:
Hereditary nonpolyposis colorectal neoplasms. Identifiers: MedGen C0009405, MeSH D003123.
Hereditary cancer-predisposing syndrome. Also called: Hereditary neoplastic syndrome; Neoplastic Syndromes, Hereditary; Hereditary Cancer Syndrome; Tumor predisposition. Identifiers: Orphanet 140162, MedGen C0027672, MeSH D009386, MONDO:0015356.
Lynch syndrome 4 (LYNCH4). Also called: Colorectal cancer, hereditary nonpolyposis, type 4; Hereditary non-polyposis colorectal cancer, type 4. Identifiers: Orphanet 144, MedGen C1838333, MONDO:0013699, OMIM 614337. Disease mechanism: loss of function.

Allele frequency attached by ClinVar (database versions not stated): ExAC 0.00001; gnomAD exomes 0.00001; TOPMed 0.00002.
gnomAD v4.1: 11 of 1,614,152 alleles (0.00068%); highest among the groups gnomAD compares: Non-Finnish European, 0.00093%; no homozygotes.

Submissions (6):

Labcorp Genetics (formerly Invitae), Labcorp
Classification: Benign for Hereditary nonpolyposis colorectal neoplasms. Last evaluated: 2026-01-11. Review status: criteria provided, single submitter. Criteria: Invitae Variant Classification Sherloc (09022015). Collection method: clinical testing. Allele origin: germline.

Ambry Genetics
Classification: Uncertain significance for Hereditary cancer-predisposing syndrome. Last evaluated: 2025-10-05. Review status: criteria provided, single submitter. Criteria: Ambry Variant Classification Scheme 2023. Collection method: clinical testing. Allele origin: germline.
Comment: The p.D493N variant (also known as c.1477G>A), located in coding exon 11 of the PMS2 gene, results from a G to A substitution at nucleotide position 1477. The aspartic acid at codon 493 is replaced by asparagine, an amino acid with highly similar properties. This amino acid position is well conserved in available vertebrate species. In addition, this alteration is predicted to be tolerated by in silico analysis. Since supporting evidence is limited at this time, the clinical significance of this alteration remains unclear.

Color Diagnostics, LLC DBA Color Health
Classification: Uncertain significance for Hereditary cancer-predisposing syndrome. Last evaluated: 2024-06-03. Review status: criteria provided, single submitter. Criteria: ACMG Guidelines, 2015. Collection method: clinical testing. Allele origin: germline.
Comment: This missense variant replaces aspartic acid with asparagine at codon 493 of the PMS2 protein. Computational prediction suggests that this variant may not impact protein structure and function (internally defined REVEL score threshold <= 0.5, PMID: 27666373). To our knowledge, functional studies have not been reported for this variant. This variant has not been reported in individuals affected with PMS2-related disorders in the literature. This variant has been identified in 2/251448 chromosomes in the general population by the Genome Aggregation Database (gnomAD). The available evidence is insufficient to determine the role of this variant in disease conclusively. Therefore, this variant is classified as a Variant of Uncertain Significance.

Baylor Genetics
Classification: Uncertain significance for Lynch syndrome 4. Last evaluated: 2023-08-02. Review status: criteria provided, single submitter. Criteria: ACMG Guidelines, 2015. Collection method: clinical testing. Allele origin: unknown.

Sema4
Classification: Uncertain significance for Hereditary cancer-predisposing syndrome. Last evaluated: 2022-02-04. Review status: criteria provided, single submitter. Criteria: Sema4 Curation Guidelines. Collection method: curation. Allele origin: germline.
Comment: The PMS2 c.1477G>A (p.D493N) variant has been reported in a large breast cancer case control study in 1/53,461 controls but not in 60,466 breast cancer cases (PMID 33471991). This variant was observed in 2/113742 chromosomes in the Non-Finnish European population according to the Genome Aggregation Database (PMID: 32461654). The variant has been reported in ClinVar (Variation ID: 127760). Functional studies have not been performed, and in silico predictions of the variant's effect on protein function are inconclusive. The evidence is insufficient to meet ACMG/AMP criteria for classifying the variant as benign or pathogenic. Thus, the clinical significance of this variant is currently uncertain.

GeneDx
Classification: Uncertain significance. Last evaluated: 2021-11-19. Review status: criteria provided, single submitter. Criteria: GeneDx Variant Classification Process June 2021. Collection method: clinical testing. Allele origin: germline. Affected: yes.
Comment: Not observed at significant frequency in large population cohorts (Lek et al., 2016); In silico analysis supports that this missense variant does not alter protein structure/function; Has not been previously published as pathogenic or benign to our knowledge

Literature cited by the submitters: PubMed 33471991 (cited by Sema4).